The following is an entry in ClinVar:

NM_007118.4(TRIO):c.2046+1G>A

Gene: TRIO (trio Rho guanine nucleotide exchange factor; plus strand). Cytogenetic location: 5p15.2.
Variant type: single nucleotide variant.
Coding change: c.2046+1G>A on transcript NM_007118.4 (MANE Select); the canonical splice donor site of the intron after coding-DNA position 2046, G replaced by A.
Molecular consequence: splice donor variant.
Genome position (GRCh38, 1-based): chr5:14,336,728, G>A. VCF-style: chr5-14336728-G-A. GRCh37 (hg19) VCF-style: chr5-14336837-G-A.
Identifiers: ClinVar variation 3377102 (VCV003377102.1).

ClinVar aggregate classification (germline): Pathogenic (1 of 4 stars; one submission).

Conditions:
Syndromic intellectual disability. Also called: Intellectual disability syndrome. Identifiers: Orphanet 183763, MedGen C5680525, MONDO:0000508.

Submission:

Victorian Clinical Genetics Services, Murdoch Childrens Research Institute
Classification: Pathogenic for Syndromic intellectual disability. Last evaluated: 2024-10-11. Review status: criteria provided, single submitter. Criteria: ACMG Guidelines, 2015. Collection method: clinical testing. Allele origin: germline. Inheritance: Autosomal dominant inheritance. Affected: yes.
Comment: Based on the classification scheme VCGS_Germline_v1.3.5, this variant is classified as Pathogenic. Following criteria are met: 0103 - Both loss of function and gain of function are known mechanisms of disease for this gene. Loss of function variants and missense variants within the RhoGEF domain are associated with microcephaly while gain of function missense variants within the 7th spectrin repeat are associated with macrocephaly (PMID: 32109419). (I) 0107 - This gene is associated with autosomal dominant disease. (I) 0115 - Variants in this gene are known to have variable expressivity. Variable disease severity has been reported in individuals with loss of function variants in this gene (PMIDs: 26721934, 28796471, 33167890). (I) 0211 - Canonical splice site variant without proven consequence on splicing (no functional evidence available). (SP) 0251 - This variant is heterozygous. (I) 0301 - Variant is absent from gnomAD (v2, v3 and v4). (SP) 0505 - Abnormal splicing is predicted by in silico tools and affected nucleotide is highly conserved. (SP) 0705 - No comparable splice variants have previous evidence for pathogenicity. (I) 0807 - This variant has no previous evidence of pathogenicity. (I) 0905 - No published segregation evidence has been identified for this variant. (I) 1007 - No published functional evidence has been identified for this variant. (SP) Legend: (SP) - Supporting pathogenic, (I) - Information, (SB) - Supporting benign

Literature cited by the submitters: PubMed 26721934; PubMed 28796471; PubMed 32109419; PubMed 33167890.